The following is an entry in ClinVar:

ClinVar aggregate classification (germline): Benign (1 of 4 stars; one submission).

Allele frequency attached by ClinVar (database versions not stated): gnomAD 0.12604 and 0.12936; TOPMed 0.12715; 1000 Genomes Project 30x 0.13413; 1000 Genomes Project 0.13698.
gnomAD v4.1: 19,660 of 152,078 alleles (13%); highest among the groups gnomAD compares: South Asian, 20%; 1,379 homozygotes.

Submission:

GeneDx
Classification: Benign. Last evaluated: 2018-06-14. Review status: criteria provided, single submitter. Criteria: GeneDx Variant Classification (06012015). Collection method: clinical testing. Allele origin: germline. Affected: yes.
Comment: This variant is considered likely benign or benign based on one or more of the following criteria: it is a conservative change, it occurs at a poorly conserved position in the protein, it is predicted to be benign by multiple in silico algorithms, and/or has population frequency not consistent with disease.

NM_018060.4(IARS2):c.1480-195C>T

Gene: IARS2 (isoleucyl-tRNA synthetase 2, mitochondrial; plus strand). Cytogenetic location: 1q41.
Variant type: single nucleotide variant.
Coding change: c.1480-195C>T on transcript NM_018060.4 (MANE Select); 195 bases into the intron before coding-DNA position 1480, C replaced by T.
Molecular consequence: intron variant.
Genome position (GRCh38, 1-based): chr1:220,114,119, C>T. VCF-style: chr1-220114119-C-T. GRCh37 (hg19) VCF-style: chr1-220287461-C-T.
Identifiers: ClinVar variation 680614 (VCV000680614.1), dbSNP rs73096599, ClinGen allele CA10790621.